The following is an entry in ClinVar:

NM_019066.5(MAGEL2):c.2273C>T (p.Ala758Val)

Gene: MAGEL2 (MAGE family member L2; minus strand). Cytogenetic location: 15q11.2.
Variant type: single nucleotide variant.
Coding change: c.2273C>T on transcript NM_019066.5 (MANE Select); coding-DNA position 2273, C replaced by T.
Protein change: p.Ala758Val; replaces alanine 758 with valine.
Molecular consequence: missense variant.
Genome position (GRCh38, 1-based): chr15:23,645,470, G>A on the plus strand (C>T on the coding strand, the complement: MAGEL2 is on the minus strand). VCF-style: chr15-23645470-G-A. GRCh37 (hg19) VCF-style: chr15-23890617-G-A.
Other names: short protein forms A758V.
Identifiers: ClinVar variation 1522225 (VCV001522225.1), dbSNP rs2140714041, ClinGen allele CA391332324.

ClinVar aggregate classification (germline): Uncertain significance (1 of 4 stars; one submission).

Allele frequency attached by ClinVar (database versions not stated): gnomAD exomes below 0.00001.

Submission:

Labcorp Genetics (formerly Invitae), Labcorp
Classification: Uncertain significance. Last evaluated: 2021-10-22. Review status: criteria provided, single submitter. Criteria: Invitae Variant Classification Sherloc (09022015). Collection method: clinical testing. Allele origin: germline.
Comment: This sequence change replaces alanine with valine at codon 758 of the MAGEL2 protein (p.Ala758Val). The alanine residue is weakly conserved and there is a small physicochemical difference between alanine and valine. This variant is not present in population databases (ExAC no frequency). This variant has not been reported in the literature in individuals affected with MAGEL2-related conditions. Experimental studies and prediction algorithms are not available or were not evaluated, and the functional significance of this variant is currently unknown. In summary, the available evidence is currently insufficient to determine the role of this variant in disease. Therefore, it has been classified as a Variant of Uncertain Significance.